The following is an entry in ClinVar:

NM_032217.5(ANKRD17):c.4757A>G (p.Asp1586Gly)

Gene: ANKRD17 (ankyrin repeat domain 17; minus strand). Cytogenetic location: 4q13.3.
Variant type: single nucleotide variant.
Coding change: c.4757A>G on transcript NM_032217.5 (MANE Select); coding-DNA position 4757, A replaced by G.
Protein change: p.Asp1586Gly; replaces aspartic acid 1586 with glycine.
Molecular consequence: missense variant.
Genome position (GRCh38, 1-based): chr4:73,098,337, T>C on the plus strand (A>G on the coding strand, the complement: ANKRD17 is on the minus strand). VCF-style: chr4-73098337-T-C. GRCh37 (hg19) VCF-style: chr4-73964054-T-C.
Other names: c.4418A>G, p.Asp1473Gly (NM_001286771.3); c.4754A>G, p.Asp1585Gly (NM_015574.2); c.4004A>G, p.Asp1335Gly (NM_198889.3); short protein forms D1473G, D1586G, D1335G, D1585G.
Identifiers: ClinVar variation 3123528 (VCV003123528.3), dbSNP rs1030226735, ClinGen allele CA99638462.

ClinVar aggregate classification (germline): Uncertain significance. Review status: criteria provided, multiple submitters, no conflicts (2 of 4 stars). 2 submissions from 2 submitters: Uncertain significance (2). Last evaluated 2025-12-29.

Conditions:
Syndromic complex neurodevelopmental disorder. Identifiers: MedGen CN372091, MONDO:0800439.
Inborn genetic diseases. Identifiers: MedGen C0950123, MeSH D030342.

Allele frequency attached by ClinVar (database versions not stated): TOPMed 0.00002; gnomAD exomes below 0.00001; gnomAD 0.00001.
gnomAD v4.1: 11 of 1,614,138 alleles (0.00068%); highest among the groups gnomAD compares: Non-Finnish European, 0.00059%; no homozygotes.

Submissions (2):

Dasa
Classification: Uncertain significance for Syndromic complex neurodevelopmental disorder. Last evaluated: 2025-12-29. Review status: criteria provided, single submitter. Criteria: DASA Assertion Criteria. Collection method: clinical testing. Allele origin: germline.
Comment: NM_032217.5(ANKRD17):c.4757A>G (p.Asp1586Gly) is a missense variant that results in the substitution of aspartic acid with glycine. This variant is rare in population databases. The currently available literature and clinical evidence are not sufficient to establish a definitive association between this variant and the reported condition. Therefore, this variant is classified as a variant of uncertain significance.

Ambry Genetics
Classification: Uncertain significance for Inborn genetic diseases. Last evaluated: 2024-01-17. Review status: criteria provided, single submitter. Criteria: Ambry Variant Classification Scheme 2023. Collection method: clinical testing. Allele origin: germline.